The following is an entry in ClinVar:

NM_003737.4(DCHS1):c.6376G>A (p.Val2126Ile)

Gene: DCHS1 (dachsous cadherin-related 1; minus strand). Cytogenetic location: 11p15.4.
Variant type: single nucleotide variant.
Coding change: c.6376G>A on transcript NM_003737.4 (MANE Select); coding-DNA position 6376, G replaced by A.
Protein change: p.Val2126Ile; replaces valine 2126 with isoleucine.
Molecular consequence: missense variant.
Genome position (GRCh38, 1-based): chr11:6,626,369, C>T on the plus strand (G>A on the coding strand, the complement: DCHS1 is on the minus strand). VCF-style: chr11-6626369-C-T. GRCh37 (hg19) VCF-style: chr11-6647600-C-T.
Other names: short protein forms V2126I.
Identifiers: ClinVar variation 1308162 (VCV001308162.3), dbSNP rs2134617897, ClinGen allele CA379388249.

ClinVar aggregate classification (germline): Uncertain significance (1 of 4 stars; one submission).

Submission:

GeneDx
Classification: Uncertain significance. Last evaluated: 2024-04-06. Review status: criteria provided, single submitter. Criteria: GeneDx Variant Classification Process June 2021. Collection method: clinical testing. Allele origin: germline. Affected: yes.
Comment: Not observed at significant frequency in large population cohorts (gnomAD); In silico analysis indicates that this missense variant does not alter protein structure/function; Has not been previously published as pathogenic or benign to our knowledge